The following is an entry in ClinVar:

ClinVar aggregate classification (germline): Uncertain significance (1 of 4 stars; one submission).

Conditions:
Norman-Roberts syndrome (LIS2). Also called: Lissencephaly 2 (Norman-Roberts type). Identifiers: Orphanet 89844, MedGen C0796089, MONDO:0009760, OMIM 257320.
Familial temporal lobe epilepsy 7. Identifiers: Orphanet 101046, MedGen C4225327, MONDO:0014639, OMIM 616436.

Allele frequency attached by ClinVar (database versions not stated): gnomAD exomes below 0.00001; TOPMed 0.00001.
gnomAD v4.1: 4 of 1,614,166 alleles (0.00025%); highest among the groups gnomAD compares: African/African-American, 0.0013%; no homozygotes.

Submission:

Labcorp Genetics (formerly Invitae), Labcorp
Classification: Uncertain significance for Familial temporal lobe epilepsy 7; Norman-Roberts syndrome. Last evaluated: 2023-09-22. Review status: criteria provided, single submitter. Criteria: Invitae Variant Classification Sherloc (09022015). Collection method: clinical testing. Allele origin: germline.
Comment: This variant is present in population databases (no rsID available, gnomAD 0.007%). This sequence change replaces asparagine, which is neutral and polar, with aspartic acid, which is acidic and polar, at codon 2206 of the RELN protein (p.Asn2206Asp). This variant has not been reported in the literature in individuals affected with RELN-related conditions. ClinVar contains an entry for this variant (Variation ID: 1057071). Advanced modeling of protein sequence and biophysical properties (such as structural, functional, and spatial information, amino acid conservation, physicochemical variation, residue mobility, and thermodynamic stability) performed at Invitae indicates that this missense variant is not expected to disrupt RELN protein function. In summary, the available evidence is currently insufficient to determine the role of this variant in disease. Therefore, it has been classified as a Variant of Uncertain Significance.

NM_005045.4(RELN):c.6616A>G (p.Asn2206Asp)

Gene: RELN (reelin; minus strand). Cytogenetic location: 7q22.1.
Variant type: single nucleotide variant.
Coding change: c.6616A>G on transcript NM_005045.4 (MANE Select); coding-DNA position 6616, A replaced by G.
Protein change: p.Asn2206Asp; replaces asparagine 2206 with aspartic acid.
Molecular consequence: missense variant.
Genome position (GRCh38, 1-based): chr7:103,542,786, T>C on the plus strand (A>G on the coding strand, the complement: RELN is on the minus strand). VCF-style: chr7-103542786-T-C. GRCh37 (hg19) VCF-style: chr7-103183233-T-C.
Other names: c.6616A>G, p.Asn2206Asp (NM_173054.3); short protein forms N2206D.
Identifiers: ClinVar variation 1057071 (VCV001057071.7), dbSNP rs1200171328, ClinGen allele CA368770342.